The following is an entry in ClinVar:

NM_001844.5(COL2A1):c.1520G>C (p.Gly507Ala)

Gene: COL2A1 (collagen type II alpha 1 chain; minus strand). Cytogenetic location: 12q13.11.
Variant type: single nucleotide variant.
Coding change: c.1520G>C on transcript NM_001844.5 (MANE Select); coding-DNA position 1520, G replaced by C.
Protein change: p.Gly507Ala; replaces glycine 507 with alanine.
Molecular consequence: missense variant.
Genome position (GRCh38, 1-based): chr12:47,986,343, C>G on the plus strand (G>C on the coding strand, the complement: COL2A1 is on the minus strand). VCF-style: chr12-47986343-C-G. GRCh37 (hg19) VCF-style: chr12-48380126-C-G.
Other names: c.1313G>C, p.Gly438Ala (NM_033150.3); short protein forms G507A, G438A.
Identifiers: ClinVar variation 2697414 (VCV002697414.3), dbSNP rs868417981, ClinGen allele CA384552401.

ClinVar aggregate classification (germline): Likely pathogenic (1 of 4 stars; one submission).

Submission:

Labcorp Genetics (formerly Invitae), Labcorp
Classification: Likely pathogenic. Last evaluated: 2023-11-19. Review status: criteria provided, single submitter. Criteria: Invitae Variant Classification Sherloc (09022015). Collection method: clinical testing. Allele origin: germline.
Comment: This sequence change replaces glycine, which is neutral and non-polar, with alanine, which is neutral and non-polar, at codon 507 of the COL2A1 protein (p.Gly507Ala). This variant is not present in population databases (gnomAD no frequency). This missense change has been observed in individual(s) with COL2A1-related conditions (Invitae). Advanced modeling of protein sequence and biophysical properties (such as structural, functional, and spatial information, amino acid conservation, physicochemical variation, residue mobility, and thermodynamic stability) performed at Invitae indicates that this missense variant is expected to disrupt COL2A1 protein function with a positive predictive value of 95%. This variant disrupts the triple helix domain of COL2A1. Glycine residues within the Gly-Xaa-Yaa repeats of the triple helix domain are required for the structure and stability of fibrillar collagens (PMID: 7695699, 8218237, 19344236). In COL2A1, variants affecting these glycine residues are significantly enriched in individuals with disease (PMID: 9016532, 17078022) compared to the general population (ExAC). This variant disrupts the p.Gly507 amino acid residue in COL2A1. Other variant(s) that disrupt this residue have been observed in individuals with COL2A1-related conditions (PMID: 26626311), which suggests that this may be a clinically significant amino acid residue. In summary, the currently available evidence indicates that the variant is pathogenic, but additional data are needed to prove that conclusively. Therefore, this variant has been classified as Likely Pathogenic.

Literature cited by the submitters: PubMed 7695699; PubMed 8218237; PubMed 19344236; PubMed 9016532; PubMed 17078022; PubMed 26626311.